The following is an entry in ClinVar:

ClinVar aggregate classification (germline): Likely benign (1 of 4 stars; one submission).

Allele frequency attached by ClinVar (database versions not stated): ExAC 0.00002; gnomAD 0.00002; gnomAD exomes 0.00002; TOPMed 0.00002.
gnomAD v4.1: 33 of 1,602,984 alleles (0.0021%); highest among the groups gnomAD compares: Middle Eastern, 0.083%; no homozygotes.

Submission:

CeGaT Center for Human Genetics Tuebingen
Classification: Likely benign. Last evaluated: 2022-10-01. Review status: criteria provided, single submitter. Criteria: CeGaT Center For Human Genetics Tuebingen Variant Classification Criteria Version 2. Collection method: clinical testing. Allele origin: germline. Affected: yes. Observed: 2 variant alleles.
Comment: BRSK2: BP4, BP7

NM_001256627.2(BRSK2):c.327G>A (p.Lys109=)

Gene: BRSK2 (BR serine/threonine kinase 2; plus strand). Cytogenetic location: 11p15.5.
Variant type: single nucleotide variant.
Coding change: c.327G>A on transcript NM_001256627.2 (MANE Select); coding-DNA position 327, G replaced by A.
Protein change: p.Lys109=; no amino-acid change (lysine 109 retained).
Molecular consequence: synonymous variant. On other transcripts: non-coding transcript variant (1).
Genome position (GRCh38, 1-based): chr11:1,440,842, G>A. VCF-style: chr11-1440842-G-A. GRCh37 (hg19) VCF-style: chr11-1462072-G-A.
Other names: c.327G>A, p.Lys109= (NM_001256629.2, NM_003957.4); c.465G>A, p.Lys155= (NM_001256630.1); c.147G>A, p.Lys49= (NM_001282218.2).
Identifiers: ClinVar variation 2641320 (VCV002641320.24), dbSNP rs756148684, ClinGen allele CA5810449.